The following is an entry in ClinVar:

ClinVar aggregate classification (germline): Uncertain significance (1 of 4 stars; one submission).

Conditions:
Rhabdoid tumor predisposition syndrome 2 (RTPS2). Identifiers: Orphanet 231108, Orphanet 69077, MedGen C2750074, MONDO:0013224, OMIM 613325.

Submission:

Labcorp Genetics (formerly Invitae), Labcorp
Classification: Uncertain significance for Rhabdoid tumor predisposition syndrome 2. Last evaluated: 2024-03-16. Review status: criteria provided, single submitter. Criteria: Invitae Variant Classification Sherloc (09022015). Collection method: clinical testing. Allele origin: germline.
Comment: This sequence change replaces arginine, which is basic and polar, with threonine, which is neutral and polar, at codon 1087 of the SMARCA4 protein (p.Arg1087Thr). This variant is not present in population databases (gnomAD no frequency). This variant has not been reported in the literature in individuals affected with SMARCA4-related conditions. Advanced modeling of protein sequence and biophysical properties (such as structural, functional, and spatial information, amino acid conservation, physicochemical variation, residue mobility, and thermodynamic stability) performed at Invitae indicates that this missense variant is expected to disrupt SMARCA4 protein function with a positive predictive value of 95%. In summary, the available evidence is currently insufficient to determine the role of this variant in disease. Therefore, it has been classified as a Variant of Uncertain Significance.

NM_003072.5(SMARCA4):c.3260G>C (p.Arg1087Thr)

Gene: SMARCA4 (SWI/SNF related BAF chromatin remodeling complex subunit ATPase 4; plus strand). Cytogenetic location: 19p13.2.
Variant type: single nucleotide variant.
Coding change: c.3260G>C on transcript NM_003072.5 (MANE Select); coding-DNA position 3260, G replaced by C.
Protein change: p.Arg1087Thr; replaces arginine 1087 with threonine.
Molecular consequence: missense variant. On other transcripts: non-coding transcript variant (1).
Genome position (GRCh38, 1-based): chr19:11,027,828, G>C. VCF-style: chr19-11027828-G-C. GRCh37 (hg19) VCF-style: chr19-11138504-G-C.
Other names: c.3260G>C, p.Arg1087Thr (NM_001128844.3, NM_001128845.2, NM_001128846.2 and 6 more transcripts); short protein forms R1087T.
Identifiers: ClinVar variation 3636874 (VCV003636874.2).